The following is an entry in ClinVar:

NM_001278431.2(C1QTNF5):c.302C>T (p.Pro101Leu)

Genes: C1QTNF5 (C1q and TNF related 5; minus strand), MFRP (membrane frizzled-related protein; minus strand). Cytogenetic location: 11q23.3.
Variant type: single nucleotide variant.
Coding change: c.302C>T on transcript NM_001278431.2 (MANE Select); coding-DNA position 302, C replaced by T.
Protein change: p.Pro101Leu; replaces proline 101 with leucine.
Molecular consequence: missense variant. On other transcripts: 3 prime UTR variant (1).
Genome position (GRCh38, 1-based): chr11:119,339,761, G>A on the plus strand (C>T on the coding strand, the complement: C1QTNF5 is on the minus strand). VCF-style: chr11-119339761-G-A. GRCh37 (hg19) VCF-style: chr11-119210471-G-A.
Other names: c.302C>T, p.Pro101Leu (NM_015645.5); c.*1198C>T (NM_031433.4); short protein forms P101L.
Identifiers: ClinVar variation 1368048 (VCV001368048.6), dbSNP rs901872302, ClinGen allele CA229674748.

ClinVar aggregate classification (germline): Uncertain significance (1 of 4 stars; one submission).

Allele frequency attached by ClinVar (database versions not stated): TOPMed 0.00001; gnomAD exomes 0.00002.
gnomAD v4.1: 28 of 1,585,950 alleles (0.0018%); highest among the groups gnomAD compares: Non-Finnish European, 0.0024%; no homozygotes.

Submission:

Labcorp Genetics (formerly Invitae), Labcorp
Classification: Uncertain significance. Last evaluated: 2024-07-21. Review status: criteria provided, single submitter. Criteria: Invitae Variant Classification Sherloc (09022015). Collection method: clinical testing. Allele origin: germline.
Comment: This sequence change replaces proline, which is neutral and non-polar, with leucine, which is neutral and non-polar, at codon 101 of the C1QTNF5 protein (p.Pro101Leu). This variant is not present in population databases (gnomAD no frequency). This variant has not been reported in the literature in individuals affected with C1QTNF5-related conditions. ClinVar contains an entry for this variant (Variation ID: 1368048). An algorithm developed to predict the effect of missense changes on protein structure and function (PolyPhen-2) suggests that this variant is likely to be tolerated. In summary, the available evidence is currently insufficient to determine the role of this variant in disease. Therefore, it has been classified as a Variant of Uncertain Significance.